The following is an entry in ClinVar:

NM_004366.6(CLCN2):c.1996C>A (p.Pro666Thr)

Gene: CLCN2 (chloride voltage-gated channel 2; minus strand). Cytogenetic location: 3q27.1.
Variant type: single nucleotide variant.
Coding change: c.1996C>A on transcript NM_004366.6 (MANE Select); coding-DNA position 1996, C replaced by A.
Protein change: p.Pro666Thr; replaces proline 666 with threonine.
Molecular consequence: missense variant.
Genome position (GRCh38, 1-based): chr3:184,353,282, G>T on the plus strand (C>A on the coding strand, the complement: CLCN2 is on the minus strand). VCF-style: chr3-184353282-G-T. GRCh37 (hg19) VCF-style: chr3-184071070-G-T.
Other names: c.1996C>A (NM_004366.4); c.1945C>A, p.Pro649Thr (NM_001171087.3); c.1864C>A, p.Pro622Thr (NM_001171088.3); c.1996C>A, p.Pro666Thr (NM_001171089.3); short protein forms P622T, P649T, P666T.
Identifiers: ClinVar variation 1176165 (VCV001176165.41), dbSNP rs770165017, ClinGen allele CA2733914.
Genomic context (GRCh38, chr3:184,353,282, plus strand): 5'-AGGAAGCGTTTGTGGCTTTTCCCCTCACCTGGAAGCAGACAGAAGCCTCAGGGGTAGGGG[G>T]ACCCTCCTGATCAGATAGTGGAGAGGTCTGGGTGGCTCTGCGCTCCTGCATGTGCTGCCG-3'
Protein context (NP_004357.3, residues 656-676): QTSPLSDQEG[Pro666Thr]PTPEASVCFQ

ClinVar aggregate classification (germline): Uncertain significance. Review status: criteria provided, multiple submitters, no conflicts (2 of 4 stars). 3 submissions from 3 submitters: Uncertain significance (3). Last evaluated 2025-06-20.

Conditions:
Inborn genetic diseases. Identifiers: MedGen C0950123, MeSH D030342.

Submissions (3):

Labcorp Genetics (formerly Invitae), Labcorp
Classification: Uncertain significance. Last evaluated: 2025-06-20. Review status: criteria provided, single submitter. Criteria: Invitae Variant Classification Sherloc (09022015). Collection method: clinical testing. Allele origin: germline.
Comment: This sequence change replaces proline, which is neutral and non-polar, with threonine, which is neutral and polar, at codon 666 of the CLCN2 protein (p.Pro666Thr). This variant is present in population databases (rs770165017, gnomAD 0.004%). This variant has not been reported in the literature in individuals affected with CLCN2-related conditions. ClinVar contains an entry for this variant (Variation ID: 1176165). Invitae Evidence Modeling of protein sequence and biophysical properties (such as structural, functional, and spatial information, amino acid conservation, physicochemical variation, residue mobility, and thermodynamic stability) indicates that this missense variant is not expected to disrupt CLCN2 protein function with a negative predictive value of 80%. In summary, the available evidence is currently insufficient to determine the role of this variant in disease. Therefore, it has been classified as a Variant of Uncertain Significance.

Ambry Genetics
Classification: Uncertain significance for Inborn genetic diseases. Last evaluated: 2024-09-11. Review status: criteria provided, single submitter. Criteria: Ambry Variant Classification Scheme 2023. Collection method: clinical testing. Allele origin: germline.

CeGaT Center for Human Genetics Tuebingen
Classification: Uncertain significance. Last evaluated: 2021-04-01. Review status: criteria provided, single submitter. Criteria: CeGaT Center For Human Genetics Tuebingen Variant Classification Criteria Version 2. Collection method: clinical testing. Allele origin: germline. Affected: yes. Observed: 1 variant allele.